The following is an entry in ClinVar:

ClinVar aggregate classification (germline): Uncertain significance. Review status: criteria provided, multiple submitters, no conflicts (2 of 4 stars). 2 submissions from 2 submitters: Uncertain significance (2). Last evaluated 2025-04-09.

Conditions:
Arrhythmogenic right ventricular dysplasia 12. Also called: ARRHYTHMOGENIC RIGHT VENTRICULAR DYSPLASIA, FAMILIAL, 12. Identifiers: MedGen C1969081, MONDO:0012684, OMIM 611528.
Naxos disease (NXD). Also called: PALMOPLANTAR KERATODERMA WITH ARRHYTHMOGENIC RIGHT VENTRICULAR CARDIOMYOPATHY AND WOOLLY HAIR; WOOLLY HAIR, PALMOPLANTAR KERATODERMA, AND CARDIAC ABNORMALITIES; CARDIOMYOPATHY, ARRHYTHMOGENIC RIGHT VENTRICULAR, WITH SKIN, HAIR, AND NAIL ABNORMALITIES; KERATOSIS PALMOPLANTARIS WITH ARRHYTHMOGENIC CARDIOMYOPATHY; MAL DE NAXOS. Identifiers: Orphanet 34217, MedGen C1832600, MONDO:0011017, OMIM 601214.
Cardiovascular phenotype. Identifiers: MedGen CN230736.

gnomAD v4.1: 7 of 1,614,262 alleles (0.00043%); highest among the groups gnomAD compares: Non-Finnish European, 0.00059%; no homozygotes.

Submissions (2):

Molecular Diagnostic Laboratory for Inherited Cardiovascular Disease, Montreal Heart Institute
Classification: Uncertain significance for Cardiovascular phenotype. Last evaluated: 2025-04-09. Review status: criteria provided, single submitter. Criteria: ACMG Guidelines, 2015. Collection method: clinical testing. Allele origin: germline. Affected: yes.

Labcorp Genetics (formerly Invitae), Labcorp
Classification: Uncertain significance for Arrhythmogenic right ventricular dysplasia 12; Naxos disease. Last evaluated: 2024-11-27. Review status: criteria provided, single submitter. Criteria: Invitae Variant Classification Sherloc (09022015). Collection method: clinical testing. Allele origin: germline.
Comment: This sequence change replaces asparagine, which is neutral and polar, with aspartic acid, which is acidic and polar, at codon 425 of the JUP protein (p.Asn425Asp). This variant is not present in population databases (gnomAD no frequency). This variant has not been reported in the literature in individuals affected with JUP-related conditions. An algorithm developed to predict the effect of missense changes on protein structure and function (PolyPhen-2) suggests that this variant is likely to be disruptive. In summary, the available evidence is currently insufficient to determine the role of this variant in disease. Therefore, it has been classified as a Variant of Uncertain Significance.

NM_002230.4(JUP):c.1273A>G (p.Asn425Asp)

Gene: JUP (junction plakoglobin; minus strand). Cytogenetic location: 17q21.2.
Variant type: single nucleotide variant.
Coding change: c.1273A>G on transcript NM_002230.4 (MANE Select); coding-DNA position 1273, A replaced by G.
Protein change: p.Asn425Asp; replaces asparagine 425 with aspartic acid.
Molecular consequence: missense variant.
Genome position (GRCh38, 1-based): chr17:41,763,207, T>C on the plus strand (A>G on the coding strand, the complement: JUP is on the minus strand). VCF-style: chr17-41763207-T-C. GRCh37 (hg19) VCF-style: chr17-39919459-T-C.
Other names: c.1273A>G (NM_002230.3); c.1273A>G, p.Asn425Asp (NM_001352773.2, NM_001352774.2, NM_001352775.2 and 3 more transcripts); short protein forms N425D.
Identifiers: ClinVar variation 3763847 (VCV003763847.3).